The following is an entry in ClinVar:

NM_016111.4(TELO2):c.1835T>A (p.Ile612Asn)

Gene: TELO2 (telomere maintenance 2; plus strand). Cytogenetic location: 16p13.3.
Variant type: single nucleotide variant.
Coding change: c.1835T>A on transcript NM_016111.4 (MANE Select); coding-DNA position 1835, T replaced by A.
Protein change: p.Ile612Asn; replaces isoleucine 612 with asparagine.
Molecular consequence: missense variant.
Genome position (GRCh38, 1-based): chr16:1,502,995, T>A. VCF-style: chr16-1502995-T-A. GRCh37 (hg19) VCF-style: chr16-1552996-T-A.
Other names: c.1835T>A, p.Ile612Asn (NM_001351846.2); short protein forms I612N.
Identifiers: ClinVar variation 3175811 (VCV003175811.2), dbSNP rs1046018259, ClinGen allele CA276659944.

ClinVar aggregate classification (germline): Uncertain significance. Review status: criteria provided, multiple submitters, no conflicts (2 of 4 stars). 2 submissions from 2 submitters: Uncertain significance (2). Last evaluated 2024-09-27.

Conditions:
Inborn genetic diseases. Identifiers: MedGen C0950123, MeSH D030342.

Allele frequency attached by ClinVar (database versions not stated): gnomAD exomes below 0.00001; gnomAD 0.00002; TOPMed 0.00005.
gnomAD v4.1: 5 of 1,610,448 alleles (0.00031%); highest among the groups gnomAD compares: Admixed American, 0.0067%; no homozygotes.

Submissions (2):

Labcorp Genetics (formerly Invitae), Labcorp
Classification: Uncertain significance. Last evaluated: 2024-09-27. Review status: criteria provided, single submitter. Criteria: Invitae Variant Classification Sherloc (09022015). Collection method: clinical testing. Allele origin: germline.
Comment: This sequence change replaces isoleucine, which is neutral and non-polar, with asparagine, which is neutral and polar, at codon 612 of the TELO2 protein (p.Ile612Asn). This variant is not present in population databases (gnomAD no frequency). This variant has not been reported in the literature in individuals affected with TELO2-related conditions. Invitae Evidence Modeling of protein sequence and biophysical properties (such as structural, functional, and spatial information, amino acid conservation, physicochemical variation, residue mobility, and thermodynamic stability) indicates that this missense variant is expected to disrupt TELO2 protein function with a positive predictive value of 80%. In summary, the available evidence is currently insufficient to determine the role of this variant in disease. Therefore, it has been classified as a Variant of Uncertain Significance.

Ambry Genetics
Classification: Uncertain significance for Inborn genetic diseases. Last evaluated: 2023-12-16. Review status: criteria provided, single submitter. Criteria: Ambry Variant Classification Scheme 2023. Collection method: clinical testing. Allele origin: germline.